The following is an entry in ClinVar:

NM_001165963.4(SCN1A):c.121A>G (p.Lys41Glu)

Gene: SCN1A (sodium voltage-gated channel alpha subunit 1; minus strand). Cytogenetic location: 2q24.3.
Variant type: single nucleotide variant.
Coding change: c.121A>G on transcript NM_001165963.4 (MANE Select); coding-DNA position 121, A replaced by G.
Protein change: p.Lys41Glu; replaces lysine 41 with glutamic acid.
Molecular consequence: missense variant. On other transcripts: 5 prime UTR variant (1), non-coding transcript variant (1).
Genome position (GRCh38, 1-based): chr2:166,073,501, T>C on the plus strand (A>G on the coding strand, the complement: SCN1A is on the minus strand). VCF-style: chr2-166073501-T-C. GRCh37 (hg19) VCF-style: chr2-166930011-T-C.
Other names: c.121A>G, p.Lys41Glu (NM_001165964.3, NM_001202435.3, NM_001353948.2 and 10 more transcripts); c.-2305A>G (NM_001353961.2); short protein forms K41E.
Identifiers: ClinVar variation 1303605 (VCV001303605.3), dbSNP rs764444350, ClinGen allele CA1943567.

ClinVar aggregate classification (germline): Uncertain significance (1 of 4 stars; one submission).

Allele frequency attached by ClinVar (database versions not stated): ExAC 0.00001; gnomAD exomes below 0.00001; TOPMed 0.00001.
gnomAD v4.1: 1 of 1,614,224 alleles (0.000062%); highest among the groups gnomAD compares: Non-Finnish European, 0.000085%; no homozygotes.

Submission:

GeneDx
Classification: Uncertain significance. Last evaluated: 2023-07-24. Review status: criteria provided, single submitter. Criteria: GeneDx Variant Classification Process June 2021. Collection method: clinical testing. Allele origin: germline. Affected: yes.
Comment: Not observed at significant frequency in large population cohorts (gnomAD); Missense variants in this gene are often considered pathogenic (HGMD); In silico analysis supports that this missense variant does not alter protein structure/function; This substitution is predicted to be within the N-terminal cytoplasmic domain; Has not been previously published as pathogenic or benign to our knowledge